The following is an entry in ClinVar:

NM_001123385.2(BCOR):c.2560G>A (p.Ala854Thr)

Gene: BCOR (BCL6 corepressor; minus strand). Cytogenetic location: Xp11.4.
Variant type: single nucleotide variant.
Coding change: c.2560G>A on transcript NM_001123385.2 (MANE Select); coding-DNA position 2560, G replaced by A.
Protein change: p.Ala854Thr; replaces alanine 854 with threonine.
Molecular consequence: missense variant.
Genome position (GRCh38, 1-based): chrX:40,072,786, C>T on the plus strand (G>A on the coding strand, the complement: BCOR is on the minus strand). VCF-style: chrX-40072786-C-T. GRCh37 (hg19) VCF-style: chrX-39932039-C-T.
Other names: c.2560G>A, p.Ala854Thr (NM_001123383.2, NM_001123384.2, NM_017745.6); short protein forms A854T.
Identifiers: ClinVar variation 569361 (VCV000569361.8), dbSNP rs527732438, ClinGen allele CA10386770.
Genomic context (GRCh38, chrX:40,072,786, plus strand): 5'-GCTGTTTGAAAGTATAAGTTTCGTGGAAGTCACTGATGCGCCCCAACTCCTCTCTCAGGG[C>T]GATGAAATCACGGTGCTGCTGCAGGGCCGGCTCAACTGAGGGCTTGGGGGGCTCAGCGCT-3'
Protein context (NP_001116857.1, residues 844-864): PALQQHRDFI[Ala854Thr]LREELGRISD

ClinVar aggregate classification (germline): Uncertain significance (1 of 4 stars; one submission).

Conditions:
Oculofaciocardiodental syndrome (MCOPS2). Identifiers: Orphanet 2712, MedGen C1846265, MONDO:0010261, OMIM 300166.

Allele frequency attached by ClinVar (database versions not stated): gnomAD 0.00001 and 0.00002; TOPMed 0.00001; ExAC 0.00003; gnomAD exomes 0.00004.
gnomAD v4.1: 37 of 1,209,891 alleles (0.0031%); highest among the groups gnomAD compares: South Asian, 0.049%; 2 homozygotes.

Submission:

Labcorp Genetics (formerly Invitae), Labcorp
Classification: Uncertain significance for Oculofaciocardiodental syndrome. Last evaluated: 2025-08-03. Review status: criteria provided, single submitter. Criteria: Invitae Variant Classification Sherloc (09022015). Collection method: clinical testing. Allele origin: germline.
Comment: This sequence change replaces alanine, which is neutral and non-polar, with threonine, which is neutral and polar, at codon 854 of the BCOR protein (p.Ala854Thr). This variant is present in population databases (rs527732438, gnomAD 0.04%). This variant has not been reported in the literature in individuals affected with BCOR-related conditions. ClinVar contains an entry for this variant (Variation ID: 569361). An algorithm developed to predict the effect of missense changes on protein structure and function outputs the following: PolyPhen-2: "Benign". The threonine amino acid residue is found in multiple mammalian species, which suggests that this missense change does not adversely affect protein function. In summary, the available evidence is currently insufficient to determine the role of this variant in disease. Therefore, it has been classified as a Variant of Uncertain Significance.